The following is an entry in ClinVar:

ClinVar aggregate classification (germline): Uncertain significance. Review status: criteria provided, multiple submitters, no conflicts (2 of 4 stars). 2 submissions from 2 submitters: Uncertain significance (2). Last evaluated 2025-09-02.

Conditions:
Meckel-Gruber syndrome. Also called: DYSENCEPHALIA SPLANCHNOCYSTICA; GRUBER SYNDROME; Dysencephalia splachnocystica. Identifiers: Orphanet 564, MedGen C0265215, MONDO:0018921.
Joubert syndrome. Also called: CEREBELLOPARENCHYMAL DISORDER IV; JOUBERT-BOLTSHAUSER SYNDROME; Familial aplasia of the vermis. Identifiers: Orphanet 475, MedGen C5979921, MONDO:0018772.
Inborn genetic diseases. Identifiers: MedGen C0950123, MeSH D030342.

Allele frequency attached by ClinVar (database versions not stated): gnomAD exomes below 0.00001; TOPMed below 0.00001; gnomAD 0.00001.
gnomAD v4.1: 3 of 1,613,950 alleles (0.00019%); highest among the groups gnomAD compares: Non-Finnish European, 0.00025%; no homozygotes.

Submissions (2):

Labcorp Genetics (formerly Invitae), Labcorp
Classification: Uncertain significance for Joubert syndrome; Meckel-Gruber syndrome. Last evaluated: 2025-09-02. Review status: criteria provided, single submitter. Criteria: Invitae Variant Classification Sherloc (09022015). Collection method: clinical testing. Allele origin: germline.
Comment: This sequence change replaces aspartic acid, which is acidic and polar, with valine, which is neutral and non-polar, at codon 184 of the B9D1 protein (p.Asp184Val). This variant is present in population databases (no rsID available, gnomAD 0.002%). This variant has not been reported in the literature in individuals affected with B9D1-related conditions. ClinVar contains an entry for this variant (Variation ID: 1518761). An algorithm developed to predict the effect of missense changes on protein structure and function (PolyPhen-2) suggests that this variant is likely to be tolerated. In summary, the available evidence is currently insufficient to determine the role of this variant in disease. Therefore, it has been classified as a Variant of Uncertain Significance.

Ambry Genetics
Classification: Uncertain significance for Inborn genetic diseases. Last evaluated: 2025-08-05. Review status: criteria provided, single submitter. Criteria: Ambry Variant Classification Scheme 2023. Collection method: clinical testing. Allele origin: germline.

NM_015681.6(B9D1):c.551A>T (p.Asp184Val)

Gene: B9D1 (B9 domain containing 1; minus strand). Cytogenetic location: 17p11.2.
Variant type: single nucleotide variant.
Coding change: c.551A>T on transcript NM_015681.6 (MANE Select); coding-DNA position 551, A replaced by T.
Protein change: p.Asp184Val; replaces aspartic acid 184 with valine.
Molecular consequence: missense variant. On other transcripts: 3 prime UTR variant (2), intron variant (4).
Genome position (GRCh38, 1-based): chr17:19,343,383, T>A on the plus strand (A>T on the coding strand, the complement: B9D1 is on the minus strand). VCF-style: chr17-19343383-T-A. GRCh37 (hg19) VCF-style: chr17-19246696-T-A.
Other names: c.551A>T (NM_015681.3); c.*76A>T (NM_001321214.2); c.*327A>T (NM_001321215.3); c.112+407A>T (NM_001368769.2); c.404+3886A>T (NM_001321219.2); c.472+407A>T (NM_001321218.2, NM_001321217.2); short protein forms D184V.
Identifiers: ClinVar variation 1518761 (VCV001518761.7), dbSNP rs1441010335, ClinGen allele CA398692295.